The following is an entry in ClinVar:

NM_005236.3(ERCC4):c.2260C>T (p.Arg754Cys)

Gene: ERCC4 (ERCC excision repair 4, endonuclease catalytic subunit; plus strand). Cytogenetic location: 16p13.12.
Variant type: single nucleotide variant.
Coding change: c.2260C>T on transcript NM_005236.3 (MANE Select); coding-DNA position 2260, C replaced by T.
Protein change: p.Arg754Cys; replaces arginine 754 with cysteine.
Molecular consequence: missense variant.
Genome position (GRCh38, 1-based): chr16:13,947,856, C>T. VCF-style: chr16-13947856-C-T. GRCh37 (hg19) VCF-style: chr16-14041713-C-T.
Other names: short protein forms R754C.
Identifiers: ClinVar variation 1402571 (VCV001402571.7), dbSNP rs535728795, ClinGen allele CA7910712.

ClinVar aggregate classification (germline): Uncertain significance (1 of 4 stars; one submission).

Conditions:
Cockayne syndrome. Identifiers: Orphanet 191, MedGen C0009207, MONDO:0016006.
Xeroderma pigmentosum, group F (XPF). Also called: XERODERMA PIGMENTOSUM VI; XP, GROUP F; XERODERMA PIGMENTOSUM, COMPLEMENTATION GROUP F; XERODERMA PIGMENTOSUM, TYPE F; Xeroderma pigmentosum, type 6; ERCC4-Related Xeroderma Pigmentosum. Identifiers: MedGen C0268140, MONDO:0010215, OMIM 278760.
Fanconi anemia complementation group Q. Identifiers: Orphanet 84, MedGen C3808988, MONDO:0014108, OMIM 615272.

Allele frequency attached by ClinVar (database versions not stated): gnomAD exomes below 0.00001 and 0.00001; gnomAD 0.00001; ExAC 0.00002; 1000 Genomes Project 30x 0.00031; 1000 Genomes Project 0.00040.
gnomAD v4.1: 4 of 1,614,172 alleles (0.00025%); highest among the groups gnomAD compares: South Asian, 0.0022%; no homozygotes.

Submission:

Labcorp Genetics (formerly Invitae), Labcorp
Classification: Uncertain significance for Fanconi anemia complementation group Q; Xeroderma pigmentosum, group F; Cockayne syndrome. Last evaluated: 2021-05-11. Review status: criteria provided, single submitter. Criteria: Invitae Variant Classification Sherloc (09022015). Collection method: clinical testing. Allele origin: germline.
Comment: In summary, the available evidence is currently insufficient to determine the role of this variant in disease. Therefore, it has been classified as a Variant of Uncertain Significance. Algorithms developed to predict the effect of missense changes on protein structure and function (SIFT, PolyPhen-2, Align-GVGD) all suggest that this variant is likely to be tolerated, but these predictions have not been confirmed by published functional studies and their clinical significance is uncertain. This variant has not been reported in the literature in individuals with ERCC4-related conditions. This variant is present in population databases (rs535728795, ExAC 0.01%). This sequence change replaces arginine with cysteine at codon 754 of the ERCC4 protein (p.Arg754Cys). The arginine residue is moderately conserved and there is a large physicochemical difference between arginine and cysteine.